The following is an entry in ClinVar:

NM_001042492.3(NF1):c.4303A>T (p.Ile1435Phe)

Gene: NF1 (neurofibromin 1; plus strand). Cytogenetic location: 17q11.2.
Variant type: single nucleotide variant.
Coding change: c.4303A>T on transcript NM_001042492.3 (MANE Select); coding-DNA position 4303, A replaced by T.
Protein change: p.Ile1435Phe; replaces isoleucine 1435 with phenylalanine.
Molecular consequence: missense variant.
Genome position (GRCh38, 1-based): chr17:31,258,473, A>T. VCF-style: chr17-31258473-A-T. GRCh37 (hg19) VCF-style: chr17-29585491-A-T.
Other names: c.4240A>T, p.Ile1414Phe (NM_000267.4); short protein forms I1435F, I1414F.
Identifiers: ClinVar variation 2036419 (VCV002036419.4), dbSNP rs771354725, ClinGen allele CA398998076.

ClinVar aggregate classification (germline): Uncertain significance (1 of 4 stars; one submission).

Conditions:
Neurofibromatosis, type 1 (NF1). Also called: VON RECKLINGHAUSEN DISEASE; NEUROFIBROMATOSIS, TYPE I, SOMATIC; Neurofibromatosis, type I; Peripheral type neurofibromatosis. Identifiers: Orphanet 636, MedGen C0027831, MONDO:0018975, OMIM 162200. Disease mechanism: loss of function.

Submission:

Labcorp Genetics (formerly Invitae), Labcorp
Classification: Uncertain significance for Neurofibromatosis, type 1. Last evaluated: 2021-12-09. Review status: criteria provided, single submitter. Criteria: Invitae Variant Classification Sherloc (09022015). Collection method: clinical testing. Allele origin: germline.
Comment: In summary, the available evidence is currently insufficient to determine the role of this variant in disease. Therefore, it has been classified as a Variant of Uncertain Significance. Advanced modeling of protein sequence and biophysical properties (such as structural, functional, and spatial information, amino acid conservation, physicochemical variation, residue mobility, and thermodynamic stability) performed at Invitae indicates that this missense variant is not expected to disrupt NF1 protein function. This variant has not been reported in the literature in individuals affected with NF1-related conditions. This variant is not present in population databases (gnomAD no frequency). This sequence change replaces isoleucine, which is neutral and non-polar, with phenylalanine, which is neutral and non-polar, at codon 1414 of the NF1 protein (p.Ile1414Phe).